The following is an entry in ClinVar:

NM_004281.4(BAG3):c.37G>C (p.Ala13Pro)

Gene: BAG3 (BAG cochaperone 3; plus strand). Cytogenetic location: 10q26.11.
Variant type: single nucleotide variant.
Coding change: c.37G>C on transcript NM_004281.4 (MANE Select); coding-DNA position 37, G replaced by C.
Protein change: p.Ala13Pro; replaces alanine 13 with proline.
Molecular consequence: missense variant.
Genome position (GRCh38, 1-based): chr10:119,651,712, G>C. VCF-style: chr10-119651712-G-C. GRCh37 (hg19) VCF-style: chr10-121411224-G-C.
Other names: short protein forms A13P.
Identifiers: ClinVar variation 2929558 (VCV002929558.3), dbSNP rs1479607977, ClinGen allele CA378294042.

ClinVar aggregate classification (germline): Uncertain significance (1 of 4 stars; one submission).

Conditions:
Myofibrillar myopathy 6. Identifiers: Orphanet 199340, MedGen C2751831, MONDO:0013061, OMIM 612954.
Dilated cardiomyopathy 1HH (CMD1HH). Identifiers: Orphanet 154, MedGen C3151293, MONDO:0013479, OMIM 613881.

gnomAD v4.1: 3 of 1,595,052 alleles (0.00019%); highest among the groups gnomAD compares: East Asian, 0.0047%; no homozygotes.

Submission:

Labcorp Genetics (formerly Invitae), Labcorp
Classification: Uncertain significance for Dilated cardiomyopathy 1HH; Myofibrillar myopathy 6. Last evaluated: 2025-12-24. Review status: criteria provided, single submitter. Criteria: Invitae Variant Classification Sherloc (09022015). Collection method: clinical testing. Allele origin: germline.
Comment: This sequence change replaces alanine, which is neutral and non-polar, with proline, which is neutral and non-polar, at codon 13 of the BAG3 protein (p.Ala13Pro). This variant is present in population databases (no rsID available, gnomAD 0.01%). This variant has not been reported in the literature in individuals affected with BAG3-related conditions. ClinVar contains an entry for this variant (Variation ID: 2929558). An algorithm developed to predict the effect of missense changes on protein structure and function (PolyPhen-2) suggests that this variant is likely to be disruptive. In summary, the available evidence is currently insufficient to determine the role of this variant in disease. Therefore, it has been classified as a Variant of Uncertain Significance.